The following is an entry in ClinVar:

NM_006767.4(LZTR1):c.264-42T>C

Gene: LZTR1 (leucine zipper like post translational regulator 1; plus strand). Cytogenetic location: 22q11.21.
Variant type: single nucleotide variant.
Coding change: c.264-42T>C on transcript NM_006767.4 (MANE Select); 42 bases into the intron before coding-DNA position 264, T replaced by C.
Molecular consequence: intron variant.
Genome position (GRCh38, 1-based): chr22:20,985,799, T>C. VCF-style: chr22-20985799-T-C. GRCh37 (hg19) VCF-style: chr22-21340088-T-C.
Identifiers: ClinVar variation 561401 (VCV000561401.2), dbSNP rs178287, ClinGen allele CA10118337.
Genomic context (GRCh38, chr22:20,985,799, plus strand): 5'-CAACAGCCCCCTACTCTACCCTGGCTACATGCAGTGCCCATCTCTGGGGTCACTGCAGAG[T>C]AGACCTGGCTAATGCCACCCTCTCTTCCGGCTGCCTTTCAGGAAGACCATGCTCAATGAC-3'

ClinVar aggregate classification (germline): Benign. Review status: criteria provided, multiple submitters, no conflicts (2 of 4 stars). 2 submissions from 2 submitters: Benign (2). Last evaluated 2018-06-14.

Allele frequency attached by ClinVar (database versions not stated): gnomAD exomes 0.41175; ESP Exome Variant Server 0.42511; TOPMed 0.44064; ExAC 0.44240; 1000 Genomes Project 0.48003; 1000 Genomes Project 30x 0.48438.
gnomAD v4.1: 662,893 of 1,597,062 alleles (42%); highest among the groups gnomAD compares: South Asian, 55%; 140,045 homozygotes.

Submissions (2):

GeneDx
Classification: Benign. Last evaluated: 2018-06-14. Review status: criteria provided, single submitter. Criteria: GeneDx Variant Classification (06012015). Collection method: clinical testing. Allele origin: germline. Affected: yes.
Comment: This variant is considered likely benign or benign based on one or more of the following criteria: it is a conservative change, it occurs at a poorly conserved position in the protein, it is predicted to be benign by multiple in silico algorithms, and/or has population frequency not consistent with disease.

Breakthrough Genomics
Classification: Benign. Review status: criteria provided, single submitter. Criteria: ACMG Guidelines, 2015. Collection method: not provided. Allele origin: germline. Inheritance: Autosomal recessive inheritance. Affected: yes.